The following is an entry in ClinVar:

ClinVar aggregate classification (germline): Likely benign (0 of 4 stars; one submission).

Conditions:
CADPS-related disorder. Also called: CADPS-related condition.

Allele frequency attached by ClinVar (database versions not stated): TOPMed 0.00019; gnomAD 0.00020; ExAC 0.00033; 1000 Genomes Project 30x 0.00047; 1000 Genomes Project 0.00060.
gnomAD v4.1: 176 of 1,612,666 alleles (0.011%); highest among the groups gnomAD compares: East Asian, 0.33%; no homozygotes.

Submission:

PreventionGenetics, part of Exact Sciences
Classification: Likely benign for CADPS-related condition. Last evaluated: 2022-04-15. Review status: no assertion criteria provided. Collection method: clinical testing. Allele origin: germline.
Comment: This variant is classified as likely benign based on ACMG/AMP sequence variant interpretation guidelines (Richards et al. 2015 PMID: 25741868, with internal and published modifications).

NM_003716.4(CADPS):c.3790A>G (p.Ser1264Gly)

Gene: CADPS (calcium dependent secretion activator; minus strand). Cytogenetic location: 3p14.2.
Variant type: single nucleotide variant.
Coding change: c.3790A>G on transcript NM_003716.4 (MANE Select); coding-DNA position 3790, A replaced by G.
Protein change: p.Ser1264Gly; replaces serine 1264 with glycine.
Molecular consequence: missense variant.
Genome position (GRCh38, 1-based): chr3:62,403,173, T>C on the plus strand (A>G on the coding strand, the complement: CADPS is on the minus strand). VCF-style: chr3-62403173-T-C. GRCh37 (hg19) VCF-style: chr3-62388848-T-C.
Other names: c.3553A>G, p.Ser1185Gly (NM_183393.3); c.3673A>G, p.Ser1225Gly (NM_183394.3); short protein forms S1185G, S1225G, S1264G.
Identifiers: ClinVar variation 3060784 (VCV003060784.2), dbSNP rs199626657, ClinGen allele CA2476173.
Genomic context (GRCh38, chr3:62,403,173, plus strand): 5'-AAATATGAAGCTGTAAGTCCATCCGGTCCGTCAACCAGGTGCAGATCACGTTCATGGAGC[T>C]GTTGTACCATTGCTGAAAAAAGAGACAAAAGTTCTCCAGCCAACACATCATGGAGCATTT-3'
Protein context (NP_003707.2, residues 1254-1274): IERLFDQWYN[Ser1264Gly]SMNVICTWLT